The following is an entry in ClinVar:

NM_000297.4(PKD2):c.254A>G (p.Gln85Arg)

Genes: PKD2 (polycystin 2, transient receptor potential cation channel; plus strand), LOC129992813 (ATAC-STARR-seq lymphoblastoid silent region 15559; plus strand). Cytogenetic location: 4q22.1.
Variant type: single nucleotide variant.
Coding change: c.254A>G on transcript NM_000297.4 (MANE Select); coding-DNA position 254, A replaced by G.
Protein change: p.Gln85Arg; replaces glutamine 85 with arginine.
Molecular consequence: missense variant. On other transcripts: non-coding transcript variant (1).
Genome position (GRCh38, 1-based): chr4:88,007,987, A>G. VCF-style: chr4-88007987-A-G. GRCh37 (hg19) VCF-style: chr4-88929139-A-G.
Other names: short protein forms Q85R.
Identifiers: ClinVar variation 2001819 (VCV002001819.4), dbSNP rs2476357507, ClinGen allele CA357625883.

ClinVar aggregate classification (germline): Uncertain significance (1 of 4 stars; one submission).

Conditions:
Autosomal dominant polycystic kidney disease. Identifiers: Orphanet 730, MedGen C0085413, MONDO:0004691.

Allele frequency attached by ClinVar (database versions not stated): gnomAD exomes below 0.00001.
gnomAD v4.1: 1 of 1,512,130 alleles (0.000066%); highest among the groups gnomAD compares: East Asian, 0.0026%; no homozygotes.

Submission:

Labcorp Genetics (formerly Invitae), Labcorp
Classification: Uncertain significance for Autosomal dominant polycystic kidney disease. Last evaluated: 2023-11-27. Review status: criteria provided, single submitter. Criteria: Invitae Variant Classification Sherloc (09022015). Collection method: clinical testing. Allele origin: germline.
Comment: This sequence change replaces glutamine, which is neutral and polar, with arginine, which is basic and polar, at codon 85 of the PKD2 protein (p.Gln85Arg). This variant is not present in population databases (gnomAD no frequency). This variant has not been reported in the literature in individuals affected with PKD2-related conditions. ClinVar contains an entry for this variant (Variation ID: 2001819). An algorithm developed to predict the effect of missense changes on protein structure and function (PolyPhen-2) suggests that this variant is likely to be disruptive. In summary, the available evidence is currently insufficient to determine the role of this variant in disease. Therefore, it has been classified as a Variant of Uncertain Significance.